The following is an entry in ClinVar:

ClinVar aggregate classification (germline): Pathogenic (1 of 4 stars; one submission).

Conditions:
Epilepsy, familial focal, with variable foci 3 (FFEVF3). Identifiers: MedGen C4310708, MONDO:0014925, OMIM 617118.

Submission:

Institute of Human Genetics, University of Leipzig Medical Center
Classification: Pathogenic for Epilepsy, familial focal, with variable foci 3. Last evaluated: 2025-11-07. Review status: criteria provided, single submitter. Criteria: ACMG Guidelines, 2015. Collection method: clinical testing. Allele origin: maternal. Inheritance: Autosomal dominant inheritance. Affected: yes.
Comment: Criteria applied: PVS1, PM2

NM_001077350.3(NPRL3):c.119-1955_188+904del

Genes: HBA-LCR (alpha-globin locus control region; plus strand), NPRL3 (NPR3 like, GATOR1 complex subunit; minus strand). Cytogenetic location: 16p13.3.
Variant type: Deletion.
Coding change: c.119-1955_188+904del on transcript NM_001077350.3 (MANE Select); 1955 bases into the intron before coding-DNA position 119 through 904 bases into the intron after coding-DNA position 188, 2,929 bases deleted.
Molecular consequence: splice acceptor variant, splice donor variant.
Genome position (GRCh38, 1-based): chr16:129,618-132,546, 2,929 bases deleted. GRCh37 (hg19): chr16:179,621-182,549.
Other names: c.-253-1955_-184+904del (NM_001243247.2); c.119-1955_188+904del (NM_001243248.2, NM_001243249.2); c.-214-1955_-145+904del (NM_001039476.3).
Identifiers: ClinVar variation 4879429 (VCV004879429.1).